The following is an entry in ClinVar:

NM_004725.4(BUB3):c.392C>T (p.Ala131Val)

Gene: BUB3 (BUB3 mitotic checkpoint protein; plus strand). Cytogenetic location: 10q26.13.
Variant type: single nucleotide variant.
Coding change: c.392C>T on transcript NM_004725.4 (MANE Select); coding-DNA position 392, C replaced by T.
Protein change: p.Ala131Val; replaces alanine 131 with valine.
Molecular consequence: missense variant.
Genome position (GRCh38, 1-based): chr10:123,157,855, C>T. VCF-style: chr10-123157855-C-T. GRCh37 (hg19) VCF-style: chr10-124917371-C-T.
Other names: c.392C>T, p.Ala131Val (NM_001007793.3); short protein forms A131V.
Identifiers: ClinVar variation 1736252 (VCV001736252.2), dbSNP rs2493759984, ClinGen allele CA378625616.

ClinVar aggregate classification (germline): Uncertain significance (1 of 4 stars; one submission).

Allele frequency attached by ClinVar (database versions not stated): gnomAD exomes below 0.00001.
gnomAD v4.1: 1 of 1,613,482 alleles (0.000062%); highest among the groups gnomAD compares: South Asian, 0.0011%; no homozygotes.

Submission:

Ambry Genetics
Classification: Uncertain significance. Last evaluated: 2022-07-19. Review status: criteria provided, single submitter. Criteria: Ambry Variant Classification Scheme 2023. Collection method: clinical testing. Allele origin: germline.
Comment: The p.A131V variant (also known as c.392C>T), located in coding exon 3 of the BUB3 gene, results from a C to T substitution at nucleotide position 392. The alanine at codon 131 is replaced by valine, an amino acid with similar properties. This amino acid position is conserved. In addition, the in silico prediction for this alteration is inconclusive. Since supporting evidence is limited at this time, the clinical significance of this alteration remains unclear.